The following is an entry in ClinVar:

NM_000883.4(IMPDH1):c.1457TCT[1] (p.Phe487del)

Gene: IMPDH1 (inosine monophosphate dehydrogenase 1; minus strand). Cytogenetic location: 7q32.1.
Variant type: Microsatellite.
Coding change: c.1457TCT[1] on transcript NM_000883.4 (MANE Select); one copy of the 3-base unit TCT starting at c.1457; the reference has two copies in a row; one copy, 3 bases deleted; also written c.1460_1462del.
Protein change: p.Phe487del; deletes phenylalanine 487.
Molecular consequence: inframe deletion.
Genome position (GRCh38, 1-based): chr7:128,394,977-128,394,979, AGA deleted on the plus strand (TCT on the coding strand, the reverse complement: IMPDH1 is on the minus strand); deleting any 3 consecutive bases within chr7:128,394,977-128,394,984 gives the same sequence; the position shown is the placement nearest the transcript's 3' end. VCF-style (leftmost placement, unchanged base first): chr7-128394976-GAGA-G. GRCh37 (hg19) VCF-style: chr7-128035030-GAGA-G.
Other names: c.1460_1462del (NM_000883.3); c.1427TCT[1], p.Phe477del (NM_001102605.2); c.1202TCT[1], p.Phe402del (NM_001142573.2); c.1187TCT[1], p.Phe397del (NM_001142574.2); c.1127TCT[1], p.Phe377del (NM_001142575.2); c.1358TCT[1], p.Phe454del (NM_001142576.2); c.1250TCT[1], p.Phe418del (NM_001304521.2); c.1349TCT[1], p.Phe451del (NM_183243.3); short protein forms F487del, F418del, F454del, F377del, F402del, F451del, F397del, F477del.
Identifiers: ClinVar variation 194345 (VCV000194345.41), dbSNP rs564828105, ClinGen allele CA201128.

ClinVar aggregate classification (germline): Benign/Likely benign. Review status: criteria provided, multiple submitters, no conflicts (2 of 4 stars). 5 submissions from 5 submitters: Benign (1); Likely benign (4). Last evaluated 2025-09-22.

Conditions:
IMPDH1-related disorder. Also called: IMPDH1-related condition; IMPDH1-related disorders.

Submissions (5):

Labcorp Genetics (formerly Invitae), Labcorp
Classification: Likely benign. Last evaluated: 2025-09-22. Review status: criteria provided, single submitter. Criteria: Invitae Variant Classification Sherloc (09022015). Collection method: clinical testing. Allele origin: germline.

PreventionGenetics, part of Exact Sciences
Classification: Likely benign for IMPDH1-related condition. Last evaluated: 2024-12-09. Review status: criteria provided, single submitter. Criteria: ACMG Guidelines, 2015. Collection method: clinical testing. Allele origin: germline.
Comment: This variant is classified as likely benign based on ACMG/AMP sequence variant interpretation guidelines (Richards et al. 2015 PMID: 25741868, with internal and published modifications).

Blueprint Genetics
Classification: Likely benign. Last evaluated: 2024-07-17. Review status: criteria provided, single submitter. Criteria: ACMG Guidelines, 2015. Collection method: clinical testing. Allele origin: germline.

CeGaT Center for Human Genetics Tuebingen
Classification: Benign. Last evaluated: 2023-02-01. Review status: criteria provided, single submitter. Criteria: CeGaT Center For Human Genetics Tuebingen Variant Classification Criteria Version 2. Collection method: clinical testing. Allele origin: germline. Affected: yes. Observed: 1 variant allele.
Comment: IMPDH1: BS1, BS2

Eurofins Ntd Llc (ga)
Classification: Likely benign. Last evaluated: 2015-05-20. Review status: criteria provided, single submitter. Criteria: EGL Classification Definitions 2015. Collection method: clinical testing. Allele origin: germline. Observed: 1 variant allele, 1 heterozygote.